The following is an entry in ClinVar:

NM_005633.4(SOS1):c.2395G>A (p.Val799Ile)

Gene: SOS1 (SOS Ras/Rac guanine nucleotide exchange factor 1; minus strand). Cytogenetic location: 2p22.1.
Variant type: single nucleotide variant.
Coding change: c.2395G>A on transcript NM_005633.4 (MANE Select); coding-DNA position 2395, G replaced by A.
Protein change: p.Val799Ile; replaces valine 799 with isoleucine.
Molecular consequence: missense variant.
Genome position (GRCh38, 1-based): chr2:39,010,699, C>T on the plus strand (G>A on the coding strand, the complement: SOS1 is on the minus strand). VCF-style: chr2-39010699-C-T. GRCh37 (hg19) VCF-style: chr2-39237840-C-T.
Other names: c.2374G>A, p.Val792Ile (NM_001382394.1); c.2395G>A, p.Val799Ile (NM_001382395.1); short protein forms V792I, V799I.
Identifiers: ClinVar variation 3720392 (VCV003720392.2).
Genomic context (GRCh38, chr2:39,010,699, plus strand): 5'-GAGAGTTAATTTCTTTGTCTTCTTTTGTCCACACACTTCCAACTAATTCTGATGGCTGTA[C>T]AGCTCTAAAATCATCAATACATAATTCTACATGACACTTTTTTCTCTAATATAGACATTG-3'
Protein context (NP_005624.2, residues 789-809): TLLESDLYRA[Val799Ile]QPSELVGSVW

ClinVar aggregate classification (germline): Uncertain significance (1 of 4 stars; one submission).

Conditions:
RASopathy. Also called: Noonan spectrum disorder; rasopathies. Identifiers: Orphanet 536391, MedGen C5555857, MONDO:0021060.

Submission:

Labcorp Genetics (formerly Invitae), Labcorp
Classification: Uncertain significance for RASopathy. Last evaluated: 2025-01-29. Review status: criteria provided, single submitter. Criteria: Invitae Variant Classification Sherloc (09022015). Collection method: clinical testing. Allele origin: germline.
Comment: This sequence change replaces valine, which is neutral and non-polar, with isoleucine, which is neutral and non-polar, at codon 799 of the SOS1 protein (p.Val799Ile). This variant is not present in population databases (gnomAD no frequency). This variant has not been reported in the literature in individuals affected with SOS1-related conditions. Invitae Evidence Modeling of protein sequence and biophysical properties (such as structural, functional, and spatial information, amino acid conservation, physicochemical variation, residue mobility, and thermodynamic stability) indicates that this missense variant is not expected to disrupt SOS1 protein function with a negative predictive value of 95%. In summary, the available evidence is currently insufficient to determine the role of this variant in disease. Therefore, it has been classified as a Variant of Uncertain Significance.